The following is an entry in ClinVar:

ClinVar aggregate classification (germline): Likely benign. Review status: criteria provided, multiple submitters, no conflicts (2 of 4 stars). 3 submissions from 3 submitters: Likely benign (2). 1 of the submissions does not count toward it. Last evaluated 2026-01-24.

Conditions:
DNAH9-related disorder. Also called: DNAH9-related condition.

Allele frequency attached by ClinVar (database versions not stated): gnomAD exomes 0.00003 and 0.00018; ExAC 0.00016; ESP Exome Variant Server 0.00031; TOPMed 0.00031; gnomAD 0.00036; 1000 Genomes Project 0.00060; 1000 Genomes Project 30x 0.00062.
gnomAD v4.1: 150 of 1,614,152 alleles (0.0093%); highest among the groups gnomAD compares: African/African-American, 0.084%; no homozygotes.

Submissions (3):

Labcorp Genetics (formerly Invitae), Labcorp
Classification: Likely benign. Last evaluated: 2026-01-24. Review status: criteria provided, single submitter. Criteria: Invitae Variant Classification Sherloc (09022015). Collection method: clinical testing. Allele origin: germline.

Blueprint Genetics
Classification: Likely benign. Last evaluated: 2024-11-08. Review status: criteria provided, single submitter. Criteria: ACMG Guidelines, 2015. Collection method: clinical testing. Allele origin: germline.

PreventionGenetics, part of Exact Sciences
Classification: Likely benign for DNAH9-related condition. Last evaluated: 2019-08-26. Review status: no assertion criteria provided. Collection method: clinical testing. Allele origin: germline. Not counted in ClinVar's aggregate classification.
Comment: This variant is classified as likely benign based on ACMG/AMP sequence variant interpretation guidelines (Richards et al. 2015 PMID: 25741868, with internal and published modifications).

NM_001372.4(DNAH9):c.4491C>T (p.Gly1497=)

Gene: DNAH9 (dynein axonemal heavy chain 9; plus strand). Cytogenetic location: 17p12.
Variant type: single nucleotide variant.
Coding change: c.4491C>T on transcript NM_001372.4 (MANE Select); coding-DNA position 4491, C replaced by T.
Protein change: p.Gly1497=; no amino-acid change (glycine 1497 retained).
Molecular consequence: synonymous variant.
Genome position (GRCh38, 1-based): chr17:11,690,313, C>T. VCF-style: chr17-11690313-C-T. GRCh37 (hg19) VCF-style: chr17-11593630-C-T.
Other names: c.4491C>T (NM_001372.3).
Identifiers: ClinVar variation 1652795 (VCV001652795.11), dbSNP rs184280262, ClinGen allele CA8395681.